The following is an entry in ClinVar:

ClinVar aggregate classification (germline): Uncertain significance (1 of 4 stars; one submission).

gnomAD v4.1: 19 of 1,612,222 alleles (0.0012%); highest among the groups gnomAD compares: Middle Eastern, 0.016%; no homozygotes.

Submission:

Labcorp Genetics (formerly Invitae), Labcorp
Classification: Uncertain significance. Last evaluated: 2026-01-04. Review status: criteria provided, single submitter. Criteria: Invitae Variant Classification Sherloc (09022015). Collection method: clinical testing. Allele origin: germline.
Comment: This sequence change replaces tyrosine, which is neutral and polar, with cysteine, which is neutral and slightly polar, at codon 3090 of the PCLO protein (p.Tyr3090Cys). This variant is present in population databases (rs199537114, gnomAD 0.006%). This variant has not been reported in the literature in individuals affected with PCLO-related conditions. Experimental studies and prediction algorithms are not available or were not evaluated, and the functional significance of this variant is currently unknown. In summary, the available evidence is currently insufficient to determine the role of this variant in disease. Therefore, it has been classified as a Variant of Uncertain Significance.

NM_033026.6(PCLO):c.9269A>G (p.Tyr3090Cys)

Gene: PCLO (piccolo presynaptic cytomatrix protein; minus strand). Cytogenetic location: 7q21.11.
Variant type: single nucleotide variant.
Coding change: c.9269A>G on transcript NM_033026.6 (MANE Select); coding-DNA position 9269, A replaced by G.
Protein change: p.Tyr3090Cys; replaces tyrosine 3090 with cysteine.
Molecular consequence: missense variant.
Genome position (GRCh38, 1-based): chr7:82,951,319, T>C on the plus strand (A>G on the coding strand, the complement: PCLO is on the minus strand). VCF-style: chr7-82951319-T-C. GRCh37 (hg19) VCF-style: chr7-82580635-T-C.
Other names: c.9269A>G, p.Tyr3090Cys (NM_014510.3); short protein forms Y3090C.
Identifiers: ClinVar variation 4767639 (VCV004767639.1).